The following is an entry in ClinVar:

NM_002691.4(POLD1):c.2629G>C (p.Asp877His)

Gene: POLD1 (DNA polymerase delta 1, catalytic subunit; plus strand). Cytogenetic location: 19q13.33.
Variant type: single nucleotide variant.
Coding change: c.2629G>C on transcript NM_002691.4 (MANE Select); coding-DNA position 2629, G replaced by C.
Protein change: p.Asp877His; replaces aspartic acid 877 with histidine.
Molecular consequence: missense variant. On other transcripts: non-coding transcript variant (1).
Genome position (GRCh38, 1-based): chr19:50,415,502, G>C. VCF-style: chr19-50415502-G-C. GRCh37 (hg19) VCF-style: chr19-50918759-G-C.
Other names: c.2629G>C, p.Asp877His (NM_001256849.1); c.2707G>C, p.Asp903His (NM_001308632.1); short protein forms D877H, D903H.
Identifiers: ClinVar variation 2864364 (VCV002864364.3), dbSNP rs1555793039, ClinGen allele CA406985484.
Genomic context (GRCh38, chr19:50,415,502, plus strand): 5'-CCTGAGGGCGCGGTGGCTCACGCACAGGACGTCATCTCGGACCTGCTGTGCAACCGCATC[G>C]ATATCTCCCAGCTGGTCATCACCAAGGAGCTGACCCGCGCGGCCTCCGACTATGCCGGCA-3'
Protein context (NP_002682.2, residues 867-887): VISDLLCNRI[Asp877His]ISQLVITKEL

ClinVar aggregate classification (germline): Uncertain significance (1 of 4 stars; one submission).

Conditions:
POLD1-related polyposis and colorectal cancer syndrome (CRCS10). Also called: Colorectal cancer 10; COLORECTAL CANCER, SUSCEPTIBILITY TO, ON CHROMOSOME 19q; Colorectal cancer, susceptibility to, 10. Identifiers: Orphanet 220460, MedGen C2675481, MONDO:0012953, OMIM 612591.

Submission:

Labcorp Genetics (formerly Invitae), Labcorp
Classification: Uncertain significance for POLD1-related polyposis and colorectal cancer syndrome. Last evaluated: 2023-05-15. Review status: criteria provided, single submitter. Criteria: Invitae Variant Classification Sherloc (09022015). Collection method: clinical testing. Allele origin: germline.
Comment: This sequence change replaces aspartic acid, which is acidic and polar, with histidine, which is basic and polar, at codon 877 of the POLD1 protein (p.Asp877His). This variant is not present in population databases (gnomAD no frequency). This variant has not been reported in the literature in individuals affected with POLD1-related conditions. Advanced modeling of protein sequence and biophysical properties (such as structural, functional, and spatial information, amino acid conservation, physicochemical variation, residue mobility, and thermodynamic stability) performed at Invitae indicates that this missense variant is expected to disrupt POLD1 protein function. In summary, the available evidence is currently insufficient to determine the role of this variant in disease. Therefore, it has been classified as a Variant of Uncertain Significance.